The following is an entry in ClinVar:

NM_017763.6(RNF43):c.789G>A (p.Gly263=)

Gene: RNF43 (ring finger protein 43; minus strand). Cytogenetic location: 17q22.
Variant type: single nucleotide variant.
Coding change: c.789G>A on transcript NM_017763.6 (MANE Select); coding-DNA position 789, G replaced by A.
Protein change: p.Gly263=; no amino-acid change (glycine 263 retained).
Molecular consequence: synonymous variant.
Genome position (GRCh38, 1-based): chr17:58,360,843, C>T on the plus strand (G>A on the coding strand, the complement: RNF43 is on the minus strand). VCF-style: chr17-58360843-C-T. GRCh37 (hg19) VCF-style: chr17-56438204-C-T.
Other names: c.789G>A, p.Gly263= (NM_001305544.3); c.408G>A, p.Gly136= (NM_001305545.2).
Identifiers: ClinVar variation 3789911 (VCV003789911.2).

ClinVar aggregate classification (germline): Benign/Likely benign. Review status: criteria provided, multiple submitters, no conflicts (2 of 4 stars). 2 submissions from 2 submitters: Benign (1); Likely benign (1). Last evaluated 2026-06-30.

Conditions:
Sessile serrated polyposis cancer syndrome (SSPCS). Identifiers: Orphanet 157798, MedGen C4310714, MONDO:0014919, OMIM 617108.

gnomAD v4.1: 9 of 1,613,228 alleles (0.00056%); highest among the groups gnomAD compares: Non-Finnish European, 0.00076%; no homozygotes.

Submissions (2):

Myriad Genetics, Inc.
Classification: Benign for Sessile serrated polyposis cancer syndrome. Last evaluated: 2026-06-30. Review status: criteria provided, single submitter. Criteria: Myriad Autosomal Dominant, Autosomal Recessive and X-Linked Classification Criteria (2023). Collection method: clinical testing. Allele origin: unknown.
Comment: This variant is considered benign. This variant is a silent/synonymous amino acid change and it is not expected to impact splicing.

Ambry Genetics
Classification: Likely benign. Last evaluated: 2025-01-20. Review status: criteria provided, single submitter. Criteria: Ambry Variant Classification Scheme 2023. Collection method: clinical testing. Allele origin: germline.